The following is an entry in ClinVar:

NM_001283009.2(RTEL1):c.2395C>G (p.Leu799Val)

Genes: RTEL1 (regulator of telomere elongation helicase 1; plus strand), RTEL1-TNFRSF6B (RTEL1-TNFRSF6B readthrough (NMD candidate); plus strand). Cytogenetic location: 20q13.33.
Variant type: single nucleotide variant.
Coding change: c.2395C>G on transcript NM_001283009.2 (MANE Select); coding-DNA position 2395, C replaced by G.
Protein change: p.Leu799Val; replaces leucine 799 with valine.
Molecular consequence: missense variant. On other transcripts: non-coding transcript variant (1).
Genome position (GRCh38, 1-based): chr20:63,690,423, C>G. VCF-style: chr20-63690423-C-G. GRCh37 (hg19) VCF-style: chr20-62321776-C-G.
Other names: c.1726C>G, p.Leu576Val (NM_001283010.1); c.2395C>G, p.Leu799Val (NM_016434.4); c.2467C>G, p.Leu823Val (NM_032957.5); short protein forms L799V, L823V, L576V.
Identifiers: ClinVar variation 1432664 (VCV001432664.12), dbSNP rs1601171872, ClinGen allele CA409681210.

ClinVar aggregate classification (germline): Uncertain significance (1 of 4 stars; one submission).

Conditions:
Pulmonary fibrosis and/or bone marrow failure, Telomere-related, 3. Also called: PULMONARY FIBROSIS AND/OR BONE MARROW FAILURE SYNDROME, TELOMERE-RELATED, 3. Identifiers: Orphanet 2032, MedGen C4225346, MONDO:0014613, OMIM 616373.
Dyskeratosis congenita, autosomal recessive 5 (DKCB5). Identifiers: MedGen C3554656, MONDO:0014076, OMIM 615190.

gnomAD v4.1: 1 of 1,577,348 alleles (0.000063%); highest among the groups gnomAD compares: Non-Finnish European, 0.000086%; no homozygotes.

Submission:

Labcorp Genetics (formerly Invitae), Labcorp
Classification: Uncertain significance for Dyskeratosis congenita, autosomal recessive 5; Pulmonary fibrosis and/or bone marrow failure, Telomere-related, 3. Last evaluated: 2025-04-18. Review status: criteria provided, single submitter. Criteria: Invitae Variant Classification Sherloc (09022015). Collection method: clinical testing. Allele origin: germline.
Comment: This sequence change replaces leucine, which is neutral and non-polar, with valine, which is neutral and non-polar, at codon 799 of the RTEL1 protein (p.Leu799Val). This variant is not present in population databases (gnomAD no frequency). This variant has not been reported in the literature in individuals affected with RTEL1-related conditions. ClinVar contains an entry for this variant (Variation ID: 1432664). An algorithm developed to predict the effect of missense changes on protein structure and function (PolyPhen-2) suggests that this variant is likely to be disruptive. In summary, the available evidence is currently insufficient to determine the role of this variant in disease. Therefore, it has been classified as a Variant of Uncertain Significance.